The following is an entry in ClinVar:

NM_004364.5(CEBPA):c.-97G>T

Genes: CEBPA (CCAAT enhancer binding protein alpha; minus strand), LOC130064183 (ATAC-STARR-seq lymphoblastoid silent region 10495; plus strand). Cytogenetic location: 19q13.11.
Variant type: single nucleotide variant.
Coding change: c.-97G>T on transcript NM_004364.5 (MANE Select); 97 bases upstream of the start codon, G replaced by T.
Molecular consequence: 5 prime UTR variant. On other transcripts: synonymous variant (1).
Genome position (GRCh38, 1-based): chr19:33,302,511, C>A on the plus strand (G>T on the coding strand, the complement: CEBPA is on the minus strand). VCF-style: chr19-33302511-C-A. GRCh37 (hg19) VCF-style: chr19-33793417-C-A.
Other names: c.-454G>T (NM_001285829.2); c.9G>T, p.Gly3= (NM_001287424.2); c.-139G>T (NM_001287435.2).
Identifiers: ClinVar variation 3352608 (VCV003352608.2).

ClinVar aggregate classification (germline): Likely benign. Review status: criteria provided, single submitter (1 of 4 stars). 2 submissions from 2 submitters: Likely benign (1). 1 of the submissions does not count toward it. Last evaluated 2023-05-26.

Conditions:
CEBPA-related disorder. Also called: CEBPA-related condition.

gnomAD v4.1: 99 of 748,112 alleles (0.013%); highest among the groups gnomAD compares: African/African-American, 0.18%; no homozygotes.

Submissions (2):

Blueprint Genetics
Classification: Likely benign. Last evaluated: 2023-05-26. Review status: criteria provided, single submitter. Criteria: ACMG Guidelines, 2015. Collection method: clinical testing. Allele origin: germline.

PreventionGenetics, part of Exact Sciences
Classification: Likely benign for CEBPA-related condition. Last evaluated: 2024-05-02. Review status: no assertion criteria provided. Collection method: clinical testing. Allele origin: germline. Not counted in ClinVar's aggregate classification.
Comment: This variant is classified as likely benign based on ACMG/AMP sequence variant interpretation guidelines (Richards et al. 2015 PMID: 25741868, with internal and published modifications).